The following is an entry in ClinVar:

NM_000260.4(MYO7A):c.1895T>G (p.Phe632Cys)

Gene: MYO7A (myosin VIIA; plus strand). Cytogenetic location: 11q13.5.
Variant type: single nucleotide variant.
Coding change: c.1895T>G on transcript NM_000260.4 (MANE Select); coding-DNA position 1895, T replaced by G.
Protein change: p.Phe632Cys; replaces phenylalanine 632 with cysteine.
Molecular consequence: missense variant.
Genome position (GRCh38, 1-based): chr11:77,172,845, T>G. VCF-style: chr11-77172845-T-G. GRCh37 (hg19) VCF-style: chr11-76883891-T-G.
Other names: c.1895T>G, p.Phe632Cys (NM_001127180.2); c.1862T>G, p.Phe621Cys (NM_001369365.1); short protein forms F621C, F632C.
Identifiers: ClinVar variation 862550 (VCV000862550.9), dbSNP rs782785036, ClinGen allele CA6197633.
Genomic context (GRCh38, chr11:77,172,845, plus strand): 5'-GCCAGTTCAAGCGGTCACTGGAGCTGCTGATGCGCACGCTGGGTGCCTGCCAGCCCTTCT[T>G]TGTGCGATGCATCAAGCCCAATGAGTTCAAGAAGCCCATGGTGAGTGGCCCTGGCCTGGG-3'
Protein context (NP_000251.3, residues 622-642): MRTLGACQPF[Phe632Cys]VRCIKPNEFK

ClinVar aggregate classification (germline): Uncertain significance. Review status: criteria provided, multiple submitters, no conflicts (2 of 4 stars). 5 submissions from 5 submitters: Uncertain significance (4). 1 of the submissions does not count toward it. Last evaluated 2026-06-16.

Conditions:
MYO7A-related disorder. Also called: MYO7A-related disorders.
Usher syndrome type 1B (USH1B). Also called: Usher syndrome type IB. Identifiers: MedGen C1848638, MONDO:0700087.

Allele frequency attached by ClinVar (database versions not stated): ExAC 0.00005; gnomAD exomes 0.00006 and 0.00013; gnomAD 0.00007 and 0.00008; TOPMed 0.00008.
gnomAD v4.1: 192 of 1,552,146 alleles (0.012%); highest among the groups gnomAD compares: Non-Finnish European, 0.016%; no homozygotes.

Submissions (5):

PreventionGenetics, part of Exact Sciences
Classification: Uncertain significance for MYO7A-related condition. Last evaluated: 2026-06-16. Review status: criteria provided, single submitter. Criteria: ACMG Guidelines, 2015. Collection method: clinical testing. Allele origin: germline.
Comment: The MYO7A c.1895T>G variant is predicted to result in the amino acid substitution p.Phe632Cys. To our knowledge, this variant has not been reported in the literature. This variant is reported in 0.014% of alleles in individuals of European (Non-Finnish) descent in gnomAD. Although we suspect that this variant may be benign, at this time, the clinical significance of this variant is uncertain due to the absence of conclusive functional and genetic evidence.

Labcorp Genetics (formerly Invitae), Labcorp
Classification: Uncertain significance. Last evaluated: 2024-10-30. Review status: criteria provided, single submitter. Criteria: Invitae Variant Classification Sherloc (09022015). Collection method: clinical testing. Allele origin: germline.
Comment: This sequence change replaces phenylalanine, which is neutral and non-polar, with cysteine, which is neutral and slightly polar, at codon 632 of the MYO7A protein (p.Phe632Cys). This variant is present in population databases (rs782785036, gnomAD 0.02%). This variant has not been reported in the literature in individuals affected with MYO7A-related conditions. ClinVar contains an entry for this variant (Variation ID: 862550). Invitae Evidence Modeling of protein sequence and biophysical properties (such as structural, functional, and spatial information, amino acid conservation, physicochemical variation, residue mobility, and thermodynamic stability) indicates that this missense variant is expected to disrupt MYO7A protein function with a positive predictive value of 95%. In summary, the available evidence is currently insufficient to determine the role of this variant in disease. Therefore, it has been classified as a Variant of Uncertain Significance.

Blueprint Genetics
Classification: Uncertain significance. Last evaluated: 2024-09-18. Review status: criteria provided, single submitter. Criteria: ACMG Guidelines, 2015. Collection method: clinical testing. Allele origin: germline.

GeneDx
Classification: Uncertain significance. Last evaluated: 2022-01-06. Review status: criteria provided, single submitter. Criteria: GeneDx Variant Classification Process June 2021. Collection method: clinical testing. Allele origin: germline. Affected: yes.
Comment: In silico analysis supports that this missense variant has a deleterious effect on protein structure/function; Has not been previously published as pathogenic or benign to our knowledge

Natera, Inc.
Classification: Uncertain significance for Usher syndrome type 1B. Last evaluated: 2020-02-21. Review status: no assertion criteria provided. Collection method: clinical testing. Allele origin: germline. Not counted in ClinVar's aggregate classification.